The following is an entry in ClinVar:

ClinVar aggregate classification (germline): Likely pathogenic. Review status: criteria provided, single submitter (1 of 4 stars). 2 submissions from 1 submitter: Likely pathogenic (2). Last evaluated 2019-03-07.

Conditions:
Juvenile polyposis syndrome (JPS). Identifiers: Orphanet 2929, MedGen C0345893, MONDO:0017380, OMIM 174900.
Generalized juvenile polyposis/juvenile polyposis coli. Also called: Juvenile polyposis coli. Identifiers: Orphanet 329971, MedGen C1868081, MONDO:0008276.

Submissions (2):

Labcorp Genetics (formerly Invitae), Labcorp
Classification: Likely pathogenic for Juvenile polyposis syndrome. Last evaluated: 2019-03-07. Review status: criteria provided, single submitter. Criteria: Invitae Variant Classification Sherloc (09022015). Collection method: clinical testing. Allele origin: germline.
Comment: This variant is a gross deletion of the genomic region encompassing the promoter of the BMPR1A gene. The 5' end of this event is unknown as it extends beyond the assayed region for this gene, and therefore may encompass additional genes. The 3' boundary is likely confined to the region between non-coding exon 1 and non-coding exon 2. A genomic deletion involving the promoter (non-coding exon 1) region has been reported to segregate with BMPR1A-related disease in a single family (PMID: 20843829). A similar deletion involving the promoter region has also been reported an individual with congenital heart defect who was pending for juvenile polyposis (JP) screening (PMID: 22067610). Experimental studies have shown that deletion of this promoter region impairs the transcription of a reporter gene in vitro, and protein samples derived from individuals carrying this variant showed reduced BMPR1A protein levels compared to a control sample (PMID: 20843829). In summary, the currently available evidence indicates that the variant is pathogenic, but additional data are needed to prove that conclusively. Therefore, this variant has been classified as Likely Pathogenic.

Labcorp Genetics (formerly Invitae), Labcorp
Classification: Likely pathogenic for Juvenile polyposis syndrome. Last evaluated: 2019-03-05. Review status: criteria provided, single submitter. Criteria: Invitae Variant Classification Sherloc (09022015). Collection method: clinical testing. Allele origin: germline.
Comment: In summary, the currently available evidence indicates that the variant is pathogenic, but additional data are needed to prove that conclusively. Therefore, this variant has been classified as Likely Pathogenic. Experimental studies have shown that deletion of this promoter region impairs the transcription of a reporter gene in vitro, and protein samples derived from individuals carrying this variant showed reduced BMPR1A protein levels compared to a control sample (PMID: 20843829). A genomic deletion involving the promoter (non-coding exon 1) region has been reported to segregate with BMPR1A-related disease in a single family (PMID: 20843829). A similar deletion involving the promoter region has also been reported an individual with congenital heart defect who was pending for juvenile polyposis (JP) screening (PMID: 22067610). This variant is a gross deletion of the genomic region encompassing the promoter of the BMPR1A gene. The 5' end of this event is unknown as it extends beyond the assayed region for this gene, and therefore may encompass additional genes. The 3' boundary is likely confined to the region between non-coding exon 1 and non-coding exon 2.

Literature cited by the submitters: PubMed 22067610; PubMed 20843829.

NC_000010.11:g.(?_86755016)_(86757045_?)del

Genes: BMPR1A (bone morphogenetic protein receptor type 1A; plus strand), LOC130004245 (ATAC-STARR-seq lymphoblastoid silent region 2573; plus strand). Cytogenetic location: 10q23.2.
Variant type: Deletion.
Identifiers: ClinVar variation 584032 (VCV000584032.11).